The following is an entry in ClinVar:

ClinVar aggregate classification (germline): Conflicting classifications of pathogenicity. Review status: criteria provided, conflicting classifications (1 of 4 stars). 4 submissions from 4 submitters: Pathogenic (1); Uncertain significance (3). Last evaluated 2025-07-23.

Conditions:
Inborn genetic diseases. Identifiers: MedGen C0950123, MeSH D030342.

Submissions (4):

GeneDx
Classification: Pathogenic. Last evaluated: 2025-07-23. Review status: criteria provided, single submitter. Criteria: GeneDx Variant Classification Process June 2021. Collection method: clinical testing. Allele origin: germline. Affected: yes.
Comment: In-frame deletion of one amino acid in a non-repeat region; In silico analysis supports a deleterious effect on protein structure/function; Not observed at significant frequency in large population cohorts (gnomAD); This variant is associated with the following publications: (PMID: 33929502, 35443031, 36455200, 36672294, 27721487, 35671390, 37874914)

Ambry Genetics
Classification: Uncertain significance for Inborn genetic diseases. Last evaluated: 2025-04-09. Review status: criteria provided, single submitter. Criteria: Ambry Variant Classification Scheme 2023. Collection method: clinical testing. Allele origin: germline.
Comment: The c.1334_1336delTGG variant (also known as p.V445del) is located in coding exon 13 of the DDX41 gene. This variant results from an in-frame TGG deletion at nucleotide positions 1334 to 1336. This results in the in-frame deletion of a valine at codon 445. This variant was reported in individual(s) with features consistent with DDX41-related hematologic malignancy predisposition syndrome (Goyal T et al. Am J Clin Pathol, 2021 Oct;156:829-838; Maierhofer A et al. Blood Adv, 2023 Dec;7:7346-7357). This amino acid position is highly conserved in available vertebrate species. In addition, the in silico prediction for this alteration is inconclusive (Choi Y et al. PLoS ONE. 2012; 7(10):e46688). Based on the available evidence, the clinical significance of this variant remains unclear.

Labcorp Genetics (formerly Invitae), Labcorp
Classification: Uncertain significance. Last evaluated: 2024-06-05. Review status: criteria provided, single submitter. Criteria: Invitae Variant Classification Sherloc (09022015). Collection method: clinical testing. Allele origin: germline.
Comment: This variant, c.1334_1336del, results in the deletion of 1 amino acid(s) of the DDX41 protein (p.Val445del), but otherwise preserves the integrity of the reading frame. This variant is not present in population databases (gnomAD no frequency). This variant has been observed in individual(s) with acute myeloid leukemia and/or DDX41-related conditions (PMID: 33929502, 35443031, 35671390, 36322930; Invitae). ClinVar contains an entry for this variant (Variation ID: 1312353). In summary, the available evidence is currently insufficient to determine the role of this variant in disease. Therefore, it has been classified as a Variant of Uncertain Significance.

Blueprint Genetics
Classification: Uncertain significance. Last evaluated: 2022-06-09. Review status: criteria provided, single submitter. Criteria: ACMG Guidelines, 2015. Collection method: clinical testing. Allele origin: germline.

Literature cited by the submitters: PubMed 33929502 (cited by Ambry Genetics and Labcorp Genetics (formerly Invitae), Labcorp); PubMed 37874914 (cited by Ambry Genetics); PubMed 35443031 (cited by Labcorp Genetics (formerly Invitae), Labcorp); PubMed 35671390 (cited by Labcorp Genetics (formerly Invitae), Labcorp); PubMed 36322930 (cited by Labcorp Genetics (formerly Invitae), Labcorp).

NM_016222.4(DDX41):c.1334_1336del (p.Val445del)

Gene: DDX41 (DEAD-box helicase 41; minus strand). Cytogenetic location: 5q35.3.
Variant type: Deletion.
Coding change: c.1334_1336del on transcript NM_016222.4 (MANE Select); coding-DNA positions 1334 to 1336, 3 bases deleted (TGG; older notation c.1334_1336delTGG).
Protein change: p.Val445del; deletes valine 445.
Molecular consequence: inframe deletion.
Genome position (GRCh38, 1-based): chr5:177,512,843-177,512,845, CCA deleted on the plus strand (TGG on the coding strand, the reverse complement: DDX41 is on the minus strand); deleting any 3 consecutive bases within chr5:177,512,843-177,512,846 gives the same sequence; the c. name uses the placement nearest the transcript's 3' end. VCF-style (leftmost placement, unchanged base first): chr5-177512842-TCCA-T. GRCh37 (hg19) VCF-style: chr5-176939843-TCCA-T.
Other names: c.1334_1336delTGG (NM_016222.2); c.956_958del, p.Val319del (NM_001321732.2, NM_001321830.2); short protein forms V319del, V445del.
Identifiers: ClinVar variation 1312353 (VCV001312353.10), dbSNP rs2127436133, ClinGen allele CA2573052485.